The following is an entry in ClinVar:

NM_000064.4(C3):c.4379C>G (p.Ala1460Gly)

Gene: C3 (complement C3; minus strand). Cytogenetic location: 19p13.3.
Variant type: single nucleotide variant.
Coding change: c.4379C>G on transcript NM_000064.4 (MANE Select); coding-DNA position 4379, C replaced by G.
Protein change: p.Ala1460Gly; replaces alanine 1460 with glycine.
Molecular consequence: missense variant.
Genome position (GRCh38, 1-based): chr19:6,680,235, G>C on the plus strand (C>G on the coding strand, the complement: C3 is on the minus strand). VCF-style: chr19-6680235-G-C. GRCh37 (hg19) VCF-style: chr19-6680246-G-C.
Other names: p.Ala1460Gly; short protein forms A1460G.
Identifiers: ClinVar variation 2076776 (VCV002076776.6), dbSNP rs147883317, ClinGen allele CA9128405.

ClinVar aggregate classification (germline): Uncertain significance. Review status: criteria provided, multiple submitters, no conflicts (2 of 4 stars). 3 submissions from 3 submitters: Uncertain significance (3). Last evaluated 2025-03-18.

Conditions:
Complement component 3 deficiency. Identifiers: Orphanet 280133, MedGen C3151071, MONDO:0013417, OMIM 613779.
Age related macular degeneration 9. Identifiers: MedGen C1969651, MONDO:0012659, OMIM 611378.
Atypical hemolytic-uremic syndrome with C3 anomaly. Also called: AHUS, SUSCEPTIBILITY TO, 5. Identifiers: Orphanet 2134, MedGen C2752037, MONDO:0013043, OMIM 612925.

Allele frequency attached by ClinVar (database versions not stated): ExAC 0.00005; 1000 Genomes Project 30x 0.00016; 1000 Genomes Project 0.00020; gnomAD 0.00020; TOPMed 0.00023; ESP Exome Variant Server 0.00038.
gnomAD v4.1: 49 of 1,611,726 alleles (0.003%); highest among the groups gnomAD compares: African/African-American, 0.064%; no homozygotes.

Submissions (3):

Labcorp Genetics (formerly Invitae), Labcorp
Classification: Uncertain significance. Last evaluated: 2025-03-18. Review status: criteria provided, single submitter. Criteria: Invitae Variant Classification Sherloc (09022015). Collection method: clinical testing. Allele origin: germline.
Comment: This sequence change replaces alanine, which is neutral and non-polar, with glycine, which is neutral and non-polar, at codon 1460 of the C3 protein (p.Ala1460Gly). This variant is present in population databases (rs147883317, gnomAD 0.05%). This variant has not been reported in the literature in individuals affected with C3-related conditions. ClinVar contains an entry for this variant (Variation ID: 2076776). Invitae Evidence Modeling of protein sequence and biophysical properties (such as structural, functional, and spatial information, amino acid conservation, physicochemical variation, residue mobility, and thermodynamic stability) indicates that this missense variant is not expected to disrupt C3 protein function with a negative predictive value of 80%. In summary, the available evidence is currently insufficient to determine the role of this variant in disease. Therefore, it has been classified as a Variant of Uncertain Significance.

Fulgent Genetics
Classification: Uncertain significance for Age related macular degeneration 9; Atypical hemolytic-uremic syndrome with C3 anomaly; Complement component 3 deficiency. Last evaluated: 2024-04-25. Review status: criteria provided, single submitter. Criteria: ACMG Guidelines, 2015. Collection method: clinical testing. Allele origin: germline.

Mayo Clinic Laboratories, Mayo Clinic
Classification: Uncertain significance. Last evaluated: 2023-03-17. Review status: criteria provided, single submitter. Criteria: ACMG Guidelines, 2015. Collection method: clinical testing. Allele origin: germline. Observed: 2 variant alleles.
Comment: BP4